The following is an entry in ClinVar:

ClinVar aggregate classification (germline): Uncertain significance (1 of 4 stars; one submission).

Conditions:
Inborn genetic diseases. Identifiers: MedGen C0950123, MeSH D030342.

Allele frequency attached by ClinVar (database versions not stated): gnomAD exomes below 0.00001; TOPMed 0.00001.
gnomAD v4.1: 2 of 1,611,590 alleles (0.00012%); highest among the groups gnomAD compares: African/African-American, 0.0027%; no homozygotes.

Submission:

Ambry Genetics
Classification: Uncertain significance for Inborn genetic diseases. Last evaluated: 2022-06-20. Review status: criteria provided, single submitter. Criteria: Ambry Variant Classification Scheme 2023. Collection method: clinical testing. Allele origin: germline.
Comment: The p.L274I variant (also known as c.820C>A), located in coding exon 7 of the LRRK2 gene, results from a C to A substitution at nucleotide position 820. The leucine at codon 274 is replaced by isoleucine, an amino acid with highly similar properties. This amino acid position is conserved. In addition, this alteration is predicted to be tolerated by in silico analysis. Since supporting evidence is limited at this time, the clinical significance of this alteration remains unclear.

NM_198578.4(LRRK2):c.820C>A (p.Leu274Ile)

Gene: LRRK2 (leucine rich repeat kinase 2; plus strand). Cytogenetic location: 12q12.
Variant type: single nucleotide variant.
Coding change: c.820C>A on transcript NM_198578.4 (MANE Select); coding-DNA position 820, C replaced by A.
Protein change: p.Leu274Ile; replaces leucine 274 with isoleucine.
Molecular consequence: missense variant.
Genome position (GRCh38, 1-based): chr12:40,243,663, C>A. VCF-style: chr12-40243663-C-A. GRCh37 (hg19) VCF-style: chr12-40637465-C-A.
Other names: short protein forms L274I.
Identifiers: ClinVar variation 1762467 (VCV001762467.2), dbSNP rs1404500869, ClinGen allele CA384406100.